The following is an entry in ClinVar:

ClinVar aggregate classification (germline): Pathogenic/Likely pathogenic. Review status: criteria provided, multiple submitters, no conflicts (2 of 4 stars). 2 submissions from 2 submitters: Pathogenic (1); Likely pathogenic (1). Last evaluated 2023-07-28.

Conditions:
Glycine encephalopathy. Also called: Nonketotic hyperglycinemia; Non-ketotic hyperglycinemia. Identifiers: Orphanet 407, MedGen C0751748, MONDO:0011612, HP:0008288.

Allele frequency attached by ClinVar (database versions not stated): TOPMed below 0.00001.

Submissions (2):

Baylor Genetics
Classification: Likely pathogenic for Glycine encephalopathy 1. Last evaluated: 2023-07-28. Review status: criteria provided, single submitter. Criteria: ACMG Guidelines, 2015. Collection method: clinical testing. Allele origin: unknown.

Mayo Clinic Laboratories, Mayo Clinic
Classification: Pathogenic. Last evaluated: 2019-06-24. Review status: criteria provided, single submitter. Criteria: ACMG Guidelines, 2015. Collection method: clinical testing. Allele origin: germline. Observed: 1 variant allele.
Comment: PVS1, PM2, PP4

NM_000481.4(AMT):c.657dup (p.Val220fs)

Gene: AMT (aminomethyltransferase; minus strand). Cytogenetic location: 3p21.31.
Variant type: Duplication.
Coding change: c.657dup on transcript NM_000481.4 (MANE Select); coding-DNA position 657, one base duplicated (C; older notation c.657dupC).
Protein change: p.Val220fs; shifts the reading frame from valine 220.
Molecular consequence: frameshift variant. On other transcripts: non-coding transcript variant (1).
Genome position (GRCh38, 1-based): chr3:49,419,299, G duplicated on the plus strand (C on the coding strand, the reverse complement: AMT is on the minus strand). VCF-style (leftmost placement, unchanged base first): chr3-49419298-C-CG. GRCh37 (hg19) VCF-style: chr3-49456731-C-CG.
Other names: c.525dup, p.Val176fs (NM_001164710.2); c.489dup, p.Val164fs (NM_001164711.2); c.657dup, p.Val220fs (NM_001164712.2); short protein forms V164fs, V176fs, V220fs.
Identifiers: ClinVar variation 1163247 (VCV001163247.6), dbSNP rs2049058298, ClinGen allele CA1363480346.